The following is an entry in ClinVar:

NM_152703.5(SAMD9L):c.293C>T (p.Thr98Ile)

Gene: SAMD9L (sterile alpha motif domain containing 9 like; minus strand). Cytogenetic location: 7q21.2.
Variant type: single nucleotide variant.
Coding change: c.293C>T on transcript NM_152703.5 (MANE Select); coding-DNA position 293, C replaced by T.
Protein change: p.Thr98Ile; replaces threonine 98 with isoleucine.
Molecular consequence: missense variant.
Genome position (GRCh38, 1-based): chr7:93,135,679, G>A on the plus strand (C>T on the coding strand, the complement: SAMD9L is on the minus strand). VCF-style: chr7-93135679-G-A. GRCh37 (hg19) VCF-style: chr7-92764992-G-A.
Other names: c.293C>T, p.Thr98Ile (NM_001303496.3, NM_001303497.3, NM_001303498.3 and 5 more transcripts); short protein forms T98I.
Identifiers: ClinVar variation 2559034 (VCV002559034.3), dbSNP rs2535439737, ClinGen allele CA368206227.

ClinVar aggregate classification (germline): Uncertain significance (1 of 4 stars; one submission).

Conditions:
Inborn genetic diseases. Identifiers: MedGen C0950123, MeSH D030342.

Submission:

Ambry Genetics
Classification: Uncertain significance for Inborn genetic diseases. Last evaluated: 2025-04-06. Review status: criteria provided, single submitter. Criteria: Ambry Variant Classification Scheme 2023. Collection method: clinical testing. Allele origin: germline.
Comment: The p.T98I variant (also known as c.293C>T), located in coding exon 1 of the SAMD9L gene, results from a C to T substitution at nucleotide position 293. The threonine at codon 98 is replaced by isoleucine, an amino acid with similar properties. This amino acid position is conserved. In addition, this alteration is predicted to be tolerated by in silico analysis. Based on the available evidence, the clinical significance of this variant remains unclear.